The following is an entry in ClinVar:

ClinVar aggregate classification (germline): Uncertain significance. Review status: criteria provided, multiple submitters, no conflicts (2 of 4 stars). 2 submissions from 2 submitters: Uncertain significance (2). Last evaluated 2025-12-11.

Conditions:
Inborn genetic diseases. Identifiers: MedGen C0950123, MeSH D030342.
T-B+ severe combined immunodeficiency due to JAK3 deficiency. Also called: SCID, T CELL-NEGATIVE, B CELL-POSITIVE, NK CELL-NEGATIVE; SCID, autosomal recessive, T-negative/B-positive type. Identifiers: Orphanet 35078, MedGen C1833275, MONDO:0010938, OMIM 600802.

Allele frequency attached by ClinVar (database versions not stated): 1000 Genomes Project 0.00020; gnomAD exomes 0.00005 and 0.00012; ExAC 0.00017; gnomAD 0.00001; TOPMed 0.00011; 1000 Genomes Project 30x 0.00031.

Submissions (2):

Ambry Genetics
Classification: Uncertain significance for Inborn genetic diseases. Last evaluated: 2025-12-11. Review status: criteria provided, single submitter. Criteria: Ambry Variant Classification Scheme 2023. Collection method: clinical testing. Allele origin: germline.

Labcorp Genetics (formerly Invitae), Labcorp
Classification: Uncertain significance for T-B+ severe combined immunodeficiency due to JAK3 deficiency. Last evaluated: 2022-08-23. Review status: criteria provided, single submitter. Criteria: Invitae Variant Classification Sherloc (09022015). Collection method: clinical testing. Allele origin: germline.
Comment: This sequence change replaces leucine, which is neutral and non-polar, with arginine, which is basic and polar, at codon 421 of the JAK3 protein (p.Leu421Arg). This variant is present in population databases (rs535740127, gnomAD 0.09%). This variant has not been reported in the literature in individuals affected with JAK3-related conditions. ClinVar contains an entry for this variant (Variation ID: 1363281). Algorithms developed to predict the effect of missense changes on protein structure and function are either unavailable or do not agree on the potential impact of this missense change (SIFT: "Tolerated"; PolyPhen-2: "Possibly Damaging"; Align-GVGD: "Class C0"). In summary, the available evidence is currently insufficient to determine the role of this variant in disease. Therefore, it has been classified as a Variant of Uncertain Significance.

NM_000215.4(JAK3):c.1262T>G (p.Leu421Arg)

Gene: JAK3 (Janus kinase 3; minus strand). Cytogenetic location: 19p13.11.
Variant type: single nucleotide variant.
Coding change: c.1262T>G on transcript NM_000215.4 (MANE Select); coding-DNA position 1262, T replaced by G.
Protein change: p.Leu421Arg; replaces leucine 421 with arginine.
Molecular consequence: missense variant.
Genome position (GRCh38, 1-based): chr19:17,839,656, A>C on the plus strand (T>G on the coding strand, the complement: JAK3 is on the minus strand). VCF-style: chr19-17839656-A-C. GRCh37 (hg19) VCF-style: chr19-17950465-A-C.
Other names: c.1262T>G (NM_000215.3); short protein forms L421R.
Identifiers: ClinVar variation 1363281 (VCV001363281.4), dbSNP rs535740127, ClinGen allele CA9301929.